The following is an entry in ClinVar:

NM_000540.3(RYR1):c.6554T>C (p.Ile2185Thr)

Gene: RYR1 (ryanodine receptor 1; plus strand). Cytogenetic location: 19q13.2.
Variant type: single nucleotide variant.
Coding change: c.6554T>C on transcript NM_000540.3 (MANE Select); coding-DNA position 6554, T replaced by C.
Protein change: p.Ile2185Thr; replaces isoleucine 2185 with threonine.
Molecular consequence: missense variant.
Genome position (GRCh38, 1-based): chr19:38,496,220, T>C. VCF-style: chr19-38496220-T-C. GRCh37 (hg19) VCF-style: chr19-38986860-T-C.
Other names: c.6554T>C, p.Ile2185Thr (NM_001042723.2); short protein forms I2185T.
Identifiers: ClinVar variation 938120 (VCV000938120.13), dbSNP rs1186616874, ClinGen allele CA405665507.

ClinVar aggregate classification (germline): Uncertain significance. Review status: criteria provided, multiple submitters, no conflicts (2 of 4 stars). 5 submissions from 5 submitters: Uncertain significance (5). Last evaluated 2025-01-28.

Conditions:
RYR1-related disorder. Also called: RYR1-related disorders; RYR1-related condition. Identifiers: MedGen CN239331.
Congenital multicore myopathy with external ophthalmoplegia (CMYO1B). Also called: Minicore myopathy with external ophthalmoplegia; MULTIMINICORE DISEASE WITH EXTERNAL OPHTHALMOPLEGIA; MULTICORE MYOPATHY; Congenital myopathy 1B, autosomal recessive; Minicore myopathy. Identifiers: Orphanet 598, Orphanet 98905, MedGen C1850674, MONDO:0009712, OMIM 255320, HP:0003789.
Congenital myopathy with fiber type disproportion. Also called: Congenital fiber-type disproportion myopathy; Congenital fiber-type disproportion. Identifiers: Orphanet 2020, MedGen C0546264, MONDO:0009711. Inheritance: all.
Central core myopathy (CMYO1A). Also called: Central core disease; Myopathy, central fibrillar; CONGENITAL MYOPATHY 1A, AUTOSOMAL DOMINANT, WITH SUSCEPTIBILITY TO MALIGNANT HYPERTHERMIA. Identifiers: Orphanet 597, MedGen C5830701, MONDO:0007294, OMIM 117000.
King Denborough syndrome (KDS). Identifiers: MedGen C1840365, MONDO:0020485, OMIM 619542.
Malignant hyperthermia, susceptibility to, 1 (MHS1). Also called: RYR1-Related Malignant Hyperthermia Susceptibility; Anesthesia related hyperthermia; Malignant hyperpyrexia; Fulminating hyperpyrexia; Pharmacogenic myopathy; Malignant hyperthermia suceptibility 1. Identifiers: Orphanet 423, MedGen C2930980, MONDO:0007783, OMIM 145600.

Allele frequency attached by ClinVar (database versions not stated): gnomAD exomes below 0.00001 and 0.00001; gnomAD 0.00001; TOPMed 0.00001.
gnomAD v4.1: 5 of 1,613,360 alleles (0.00031%); highest among the groups gnomAD compares: African/African-American, 0.0013%; no homozygotes.

Submissions (5):

Labcorp Genetics (formerly Invitae), Labcorp
Classification: Uncertain significance for RYR1-related disorder. Last evaluated: 2025-01-28. Review status: criteria provided, single submitter. Criteria: Invitae Variant Classification Sherloc (09022015). Collection method: clinical testing. Allele origin: germline.
Comment: This sequence change replaces isoleucine, which is neutral and non-polar, with threonine, which is neutral and polar, at codon 2185 of the RYR1 protein (p.Ile2185Thr). The frequency data for this variant in the population databases is considered unreliable, as metrics indicate poor data quality at this position in the gnomAD database. This variant has not been reported in the literature in individuals affected with RYR1-related conditions. ClinVar contains an entry for this variant (Variation ID: 938120). Invitae Evidence Modeling of protein sequence and biophysical properties (such as structural, functional, and spatial information, amino acid conservation, physicochemical variation, residue mobility, and thermodynamic stability) indicates that this missense variant is expected to disrupt RYR1 protein function with a positive predictive value of 80%. In summary, the available evidence is currently insufficient to determine the role of this variant in disease. Therefore, it has been classified as a Variant of Uncertain Significance.

All of Us Research Program, National Institutes of Health
Classification: Uncertain significance for Malignant hyperthermia, susceptibility to, 1. Last evaluated: 2024-08-06. Review status: criteria provided, single submitter. Criteria: ACMG Guidelines, 2015. Collection method: clinical testing. Allele origin: germline. Inheritance: Autosomal dominant inheritance. Observed: 7 variant alleles, 7 heterozygotes.
Comment: This missense variant replaces isoleucine with threonine at codon 2185 of the RYR1 protein. Computational prediction suggests that this variant may have deleterious impact on protein structure and function (internally defined REVEL score threshold >= 0.7, PMID: 27666373). To our knowledge, functional studies have not been reported for this variant. This variant has not been reported in individuals affected with RYR1-related disorders in the literature. This variant has been identified in 1/250722 chromosomes in the general population by the Genome Aggregation Database (gnomAD). The available evidence is insufficient to determine the role of this variant in disease conclusively. Therefore, this variant is classified as a Variant of Uncertain Significance.

This study involves interpretation of variants in research participants for the purpose of population health screening. Participant phenotype was not available at the time of variant classification. Additional details can be found in publication PMID: 35346344, PMCID: PMC8962531

Color Diagnostics, LLC DBA Color Health
Classification: Uncertain significance for Malignant hyperthermia, susceptibility to, 1. Last evaluated: 2024-04-17. Review status: criteria provided, single submitter. Criteria: ACMG Guidelines, 2015. Collection method: clinical testing. Allele origin: germline.
Comment: This missense variant replaces isoleucine with threonine at codon 2185 of the RYR1 protein. Computational prediction suggests that this variant may have deleterious impact on protein structure and function. To our knowledge, functional studies have not been reported for this variant. This variant has not been reported in individuals affected with RYR1-related disorders in the literature. This variant has been identified in 1/250722 chromosomes in the general population by the Genome Aggregation Database (gnomAD). The available evidence is insufficient to determine the role of this variant in disease conclusively. Therefore, this variant is classified as a Variant of Uncertain Significance.

GeneDx
Classification: Uncertain significance. Last evaluated: 2023-03-26. Review status: criteria provided, single submitter. Criteria: GeneDx Variant Classification Process June 2021. Collection method: clinical testing. Allele origin: germline. Affected: yes.
Comment: Not observed at significant frequency in large population cohorts (gnomAD); In silico analysis supports that this missense variant has a deleterious effect on protein structure/function; Has not been previously published as pathogenic or benign to our knowledge; This variant is associated with the following publications: (PMID: 12668474)

Fulgent Genetics
Classification: Uncertain significance for Central core myopathy; Malignant hyperthermia, susceptibility to, 1; Congenital myopathy 4A, autosomal dominant; Congenital multicore myopathy with external ophthalmoplegia; King Denborough syndrome. Last evaluated: 2021-08-31. Review status: criteria provided, single submitter. Criteria: ACMG Guidelines, 2015. Collection method: clinical testing. Allele origin: unknown.